The following is an entry in ClinVar:

ClinVar aggregate classification (germline): Conflicting classifications of pathogenicity. Review status: criteria provided, conflicting classifications (1 of 4 stars). 2 submissions from 2 submitters: Uncertain significance (1); Likely benign (1). Last evaluated 2025-02-13.

Conditions:
NPHP4-related disorder. Also called: NPHP4-related disorders; NPHP4-related condition. Identifiers: MedGen CN239384.
Nephronophthisis 4 (NPHP4). Also called: NEPHRONOPHTHISIS 4, JUVENILE. Identifiers: Orphanet 655, MedGen C1847013, MONDO:0011752, OMIM 606966.
Senior-Loken syndrome 4 (SLSN4). Identifiers: Orphanet 3156, MedGen C1846979, MONDO:0011756, OMIM 606996.

gnomAD v4.1: 6 of 1,613,826 alleles (0.00037%); highest among the groups gnomAD compares: Middle Eastern, 0.033%; no homozygotes.

Submissions (2):

PreventionGenetics, part of Exact Sciences
Classification: Likely benign for NPHP4-related condition. Last evaluated: 2025-02-13. Review status: criteria provided, single submitter. Criteria: ACMG Guidelines, 2015. Collection method: clinical testing. Allele origin: germline.
Comment: This variant is classified as likely benign based on ACMG/AMP sequence variant interpretation guidelines (Richards et al. 2015 PMID: 25741868, with internal and published modifications).

Fulgent Genetics
Classification: Uncertain significance for Nephronophthisis 4; Senior-Loken syndrome 4. Last evaluated: 2024-06-10. Review status: criteria provided, single submitter. Criteria: ACMG Guidelines, 2015. Collection method: clinical testing. Allele origin: germline.

NM_015102.5(NPHP4):c.1763+6G>T

Gene: NPHP4 (nephrocystin 4; minus strand). Cytogenetic location: 1p36.31.
Variant type: single nucleotide variant.
Coding change: c.1763+6G>T on transcript NM_015102.5 (MANE Select); 6 bases into the intron after coding-DNA position 1763, G replaced by T.
Molecular consequence: intron variant.
Genome position (GRCh38, 1-based): chr1:5,905,626, C>A on the plus strand (G>T on the coding strand, the complement: NPHP4 is on the minus strand). VCF-style: chr1-5905626-C-A. GRCh37 (hg19) VCF-style: chr1-5965686-C-A.
Other names: c.1763+6G>T (NM_015102.4); c.227+6G>T (NM_001291594.2); c.224+6G>T (NM_001291593.2).
Identifiers: ClinVar variation 3586804 (VCV003586804.2).